The following is an entry in ClinVar:

NM_024596.5(MCPH1):c.151A>G (p.Ile51Val)

Gene: MCPH1 (microcephalin 1; plus strand). Cytogenetic location: 8p23.1.
Variant type: single nucleotide variant.
Coding change: c.151A>G on transcript NM_024596.5 (MANE Select); coding-DNA position 151, A replaced by G.
Protein change: p.Ile51Val; replaces isoleucine 51 with valine.
Molecular consequence: missense variant. On other transcripts: non-coding transcript variant (1).
Genome position (GRCh38, 1-based): chr8:6,414,801, A>G. VCF-style: chr8-6414801-A-G. GRCh37 (hg19) VCF-style: chr8-6272322-A-G.
Other names: c.151A>G, p.Ile51Val (NM_001172574.2, NM_001172575.2, NM_001322042.2 and 2 more transcripts); c.145A>G, p.Ile49Val (NM_001322043.2); c.49A>G, p.Ile17Val (NM_001322045.2); short protein forms I49V, I17V, I51V.
Identifiers: ClinVar variation 1032179 (VCV001032179.1), dbSNP rs538316396, ClinGen allele CA4610088.

ClinVar aggregate classification (germline): Uncertain significance (1 of 4 stars; one submission).

Conditions:
Microcephaly 1, primary, autosomal recessive (MCPH1). Also called: PREMATURE CHROMOSOME CONDENSATION SYNDROME; PCC SYNDROME; PREMATURE CHROMOSOME CONDENSATION WITH MICROCEPHALY AND MENTAL RETARDATION. Identifiers: Orphanet 2512, MedGen C1855081, MONDO:0009617, OMIM 251200.

Allele frequency attached by ClinVar (database versions not stated): gnomAD exomes below 0.00001; ExAC 0.00001; gnomAD 0.00003; TOPMed 0.00004; 1000 Genomes Project 0.00020; 1000 Genomes Project 30x 0.00031.
gnomAD v4.1: 42 of 1,613,902 alleles (0.0026%); highest among the groups gnomAD compares: Non-Finnish European, 0.0033%; no homozygotes.

Submission:

Baylor Genetics
Classification: Uncertain significance for Microcephaly 1, primary, autosomal recessive. Last evaluated: 2018-02-21. Review status: criteria provided, single submitter. Criteria: ACMG Guidelines, 2015. Collection method: clinical testing. Allele origin: paternal. Affected: yes.
Comment: This variant was determined to be of uncertain significance according to ACMG Guidelines, 2015 [PMID:25741868].